The following is an entry in ClinVar:

ClinVar aggregate classification (germline): Uncertain significance (1 of 4 stars; one submission).

Conditions:
MHC class II deficiency. Also called: Bare lymphocyte syndrome 2; BLS, TYPE II. Identifiers: Orphanet 572, MedGen C5447452, MONDO:0008855.

Submission:

Labcorp Genetics (formerly Invitae), Labcorp
Classification: Uncertain significance for MHC class II deficiency. Last evaluated: 2022-07-19. Review status: criteria provided, single submitter. Criteria: Invitae Variant Classification Sherloc (09022015). Collection method: clinical testing. Allele origin: germline.
Comment: This sequence change replaces serine, which is neutral and polar, with arginine, which is basic and polar, at codon 218 of the CIITA protein (p.Ser218Arg). This variant is not present in population databases (gnomAD no frequency). This variant has not been reported in the literature in individuals affected with CIITA-related conditions. ClinVar contains an entry for this variant (Variation ID: 1514226). Algorithms developed to predict the effect of missense changes on protein structure and function (SIFT, PolyPhen-2, Align-GVGD) all suggest that this variant is likely to be tolerated. In summary, the available evidence is currently insufficient to determine the role of this variant in disease. Therefore, it has been classified as a Variant of Uncertain Significance.

NM_000246.4(CIITA):c.654C>A (p.Ser218Arg)

Gene: CIITA (class II major histocompatibility complex transactivator; plus strand). Cytogenetic location: 16p13.13.
Variant type: single nucleotide variant.
Coding change: c.654C>A on transcript NM_000246.4 (MANE Select); coding-DNA position 654, C replaced by A.
Protein change: p.Ser218Arg; replaces serine 218 with arginine.
Molecular consequence: missense variant. On other transcripts: non-coding transcript variant (1).
Genome position (GRCh38, 1-based): chr16:10,902,683, C>A. VCF-style: chr16-10902683-C-A. GRCh37 (hg19) VCF-style: chr16-10996540-C-A.
Other names: c.657C>A, p.Ser219Arg (NM_001286402.1, NM_001379332.1); c.507C>A, p.Ser169Arg (NM_001286403.2, NM_001379331.1); c.510C>A, p.Ser170Arg (NM_001379330.1); c.654C>A, p.Ser218Arg (NM_001379333.1); c.585C>A, p.Ser195Arg (NM_001379334.1); short protein forms S169R, S218R, S170R, S195R, S219R.
Identifiers: ClinVar variation 1514226 (VCV001514226.7), dbSNP rs369197968, ClinGen allele CA394728565.
Genomic context (GRCh38, chr16:10,902,683, plus strand): 5'-GCAAGATCCCACCTCACTGCCTTTGTCTCTTGCAGTGCCTTTCTCCAGTTCCTCGTTGAG[C>A]TGCCTGAATCTCCCTGAGGGACCCATCCAGTTTGTCCCCACCATCTCCACTCTGCCCCAT-3'
Protein context (NP_000237.2, residues 208-228): IPMPFSSSSL[Ser218Arg]CLNLPEGPIQ